The following is an entry in ClinVar:

ClinVar aggregate classification (germline): Uncertain significance (1 of 4 stars; one submission).

Conditions:
Chédiak-Higashi syndrome (CHS). Also called: Chediak-Higashi Syndrome. Identifiers: Orphanet 167, MedGen C0007965, MONDO:0008963, OMIM 214500.

Submission:

Labcorp Genetics (formerly Invitae), Labcorp
Classification: Uncertain significance for Chédiak-Higashi syndrome. Last evaluated: 2025-08-25. Review status: criteria provided, single submitter. Criteria: Invitae Variant Classification Sherloc (09022015). Collection method: clinical testing. Allele origin: germline.
Comment: This sequence change replaces methionine, which is neutral and non-polar, with threonine, which is neutral and polar, at codon 1311 of the LYST protein (p.Met1311Thr). This variant is not present in population databases (gnomAD no frequency). This variant has not been reported in the literature in individuals affected with LYST-related conditions. Invitae Evidence Modeling of protein sequence and biophysical properties (such as structural, functional, and spatial information, amino acid conservation, physicochemical variation, residue mobility, and thermodynamic stability) indicates that this missense variant is not expected to disrupt LYST protein function with a negative predictive value of 80%. In summary, the available evidence is currently insufficient to determine the role of this variant in disease. Therefore, it has been classified as a Variant of Uncertain Significance.

NM_000081.4(LYST):c.3932T>C (p.Met1311Thr)

Gene: LYST (lysosomal trafficking regulator; minus strand). Cytogenetic location: 1q42.3.
Variant type: single nucleotide variant.
Coding change: c.3932T>C on transcript NM_000081.4 (MANE Select); coding-DNA position 3932, T replaced by C.
Protein change: p.Met1311Thr; replaces methionine 1311 with threonine.
Molecular consequence: missense variant.
Genome position (GRCh38, 1-based): chr1:235,800,878, A>G on the plus strand (T>C on the coding strand, the complement: LYST is on the minus strand). VCF-style: chr1-235800878-A-G. GRCh37 (hg19) VCF-style: chr1-235964178-A-G.
Other names: c.3932T>C, p.Met1311Thr (NM_001301365.1); short protein forms M1311T.
Identifiers: ClinVar variation 4737570 (VCV004737570.1).